The following is an entry in ClinVar:

NM_000235.4(LIPA):c.232_243delinsGCTACTGCCTCCTAAACAATGAATGTTTTGCAG (p.Pro78_Val81delinsAlaThrAlaSerTer)

Gene: LIPA (lipase A, lysosomal acid type; minus strand). Cytogenetic location: 10q23.31.
Variant type: Indel.
Coding change: c.232_243delinsGCTACTGCCTCCTAAACAATGAATGTTTTGCAG on transcript NM_000235.4 (MANE Select); coding-DNA positions 232 to 243, the reference bases replaced by an inserted sequence.
Protein change: p.Pro78_Val81delinsAlaThrAlaSerTer.
Molecular consequence: nonsense. On other transcripts: 5 prime UTR variant (1).
Genome position (GRCh38, 1-based): chr10:89,228,385-89,228,396, 12 bases replaced. GRCh37 (hg19): chr10:90,988,142-90,988,153.
Other names: c.232_243delinsGCTACTGCCTCCTAAACAATGAATGTTTTGCAG, p.Pro78_Val81delinsAlaThrAlaSerTer (NM_001127605.3); c.-117_-106delinsGCTACTGCCTCCTAAACAATGAATGTTTTGCAG (NM_001288979.2); c.232_243delinsGCTACTGCCTCCTAAACAATGAATGTTTTGCAG (NM_000235.3).
Identifiers: ClinVar variation 3598506 (VCV003598506.2).

ClinVar aggregate classification (germline): Likely pathogenic. Review status: criteria provided, multiple submitters, no conflicts (2 of 4 stars). 2 submissions from 2 submitters: Likely pathogenic (2). Last evaluated 2025-06-16.

Conditions:
Cholesteryl ester storage disease (CESD). Also called: Childhood/Adult-Onset LAL-D (Cholesterol Ester Storage Disease [CESD]). Identifiers: Orphanet 75234, MedGen C0008384, MONDO:0019149, OMIM 278000.
Wolman disease (WOLD). Also called: Acid cholesteryl ester hydrolase deficiency, Wolman type; Acid lipase disease; Wolman disease, CESD; Wolman disease with hypolipoproteinemia and acanthocytosis; LYSOSOMAL ACID LIPASE DEFICIENCY, ACUTE INFANTILE; LYSOSOMAL ACID LIPASE DEFICIENCY, COMPLETE. Identifiers: Orphanet 75233, MedGen C0043208, MONDO:0019148, OMIM 620151.
Lysosomal acid lipase deficiency. Also called: Acid cholesteryl ester hydrolase deficiency, type 2. Identifiers: Orphanet 275761, MedGen C5574740, MONDO:0800449, MONDO:0010204.

Submissions (2):

Natera, Inc.
Classification: Likely pathogenic for Lysosomal acid lipase deficiency. Last evaluated: 2025-06-16. Review status: criteria provided, single submitter. Criteria: Natera Variant Classification Schema (03/2026). Collection method: clinical testing. Allele origin: germline.
Comment: The c.232_243delinsGCTACTGCCTCCTAAACAATGAATGTTTTGCAG variant in LIPA is a deletion-insertion (delins) variant predicted to replace one or more nucleotides with a different sequence. This variant is expected to result in nonsense mediated decay, truncation, or a dysfunctional protein product. This variant is rare in the general population with a frequency below the threshold expected for the associated phenotype(s). Given the available evidence, this variant is classified as Likely Pathogenic.

Fulgent Genetics
Classification: Likely pathogenic for Cholesteryl ester storage disease; Wolman disease. Last evaluated: 2024-03-26. Review status: criteria provided, single submitter. Criteria: ACMG Guidelines, 2015. Collection method: clinical testing. Allele origin: germline.